The following is an entry in ClinVar:

NM_002024.6(FMR1):c.1607G>C (p.Gly536Ala)

Gene: FMR1 (fragile X messenger ribonucleoprotein 1; plus strand). Cytogenetic location: Xq27.3.
Variant type: single nucleotide variant.
Coding change: c.1607G>C on transcript NM_002024.6 (MANE Select); coding-DNA position 1607, G replaced by C.
Protein change: p.Gly536Ala; replaces glycine 536 with alanine.
Molecular consequence: missense variant. On other transcripts: non-coding transcript variant (2).
Genome position (GRCh38, 1-based): chrX:147,945,004, G>C. VCF-style: chrX-147945004-G-C. GRCh37 (hg19) VCF-style: chrX-147026524-G-C.
Other names: c.1336G>C, p.Gly446Arg (NM_001185075.2); c.1544G>C, p.Gly515Ala (NM_001185076.2); c.1273G>C, p.Gly425Arg (NM_001185081.2); c.1469G>C, p.Gly490Ala (NM_001185082.2); short protein forms G425R, G446R, G515A, G536A, G490A.
Identifiers: ClinVar variation 3731213 (VCV003731213.1).

ClinVar aggregate classification (germline): Uncertain significance (1 of 4 stars; one submission).

gnomAD v4.1: 3 of 1,197,998 alleles (0.00025%); highest among the groups gnomAD compares: Middle Eastern, 0.023%; no homozygotes.

Submission:

GeneDx
Classification: Uncertain significance. Last evaluated: 2024-08-15. Review status: criteria provided, single submitter. Criteria: GeneDx Variant Classification Process June 2021. Collection method: clinical testing. Allele origin: germline. Affected: yes.
Comment: Not observed at significant frequency in large population cohorts (gnomAD); In silico analysis indicates that this missense variant does not alter protein structure/function; Has not been previously published as pathogenic or benign to our knowledge